The following is an entry in ClinVar:

ClinVar aggregate classification (germline): Uncertain significance (1 of 4 stars; one submission).

Conditions:
Trichorhinophalangeal dysplasia type I (TRPS1). Also called: TRPS I; TRICHORHINOPHALANGEAL SYNDROME, TYPE I. Identifiers: Orphanet 77258, MedGen C0432233, MONDO:0008596, OMIM 190350.
Trichorhinophalangeal syndrome, type III (TRPS3). Also called: SUGIO-KAJII SYNDROME. Identifiers: Orphanet 77258, MedGen C1860823, OMIM 190351, MONDO:0008597.

Allele frequency attached by ClinVar (database versions not stated): gnomAD exomes below 0.00001.
gnomAD v4.1: 2 of 1,614,006 alleles (0.00012%); highest among the groups gnomAD compares: African/African-American, 0.0013%; no homozygotes.

Submission:

Labcorp Genetics (formerly Invitae), Labcorp
Classification: Uncertain significance for Trichorhinophalangeal syndrome, type III; Trichorhinophalangeal dysplasia type I. Last evaluated: 2022-07-05. Review status: criteria provided, single submitter. Criteria: Invitae Variant Classification Sherloc (09022015). Collection method: clinical testing. Allele origin: germline.
Comment: In summary, the available evidence is currently insufficient to determine the role of this variant in disease. Therefore, it has been classified as a Variant of Uncertain Significance. Algorithms developed to predict the effect of missense changes on protein structure and function are either unavailable or do not agree on the potential impact of this missense change (SIFT: "Deleterious"; PolyPhen-2: "Benign"; Align-GVGD: "Class C0"). ClinVar contains an entry for this variant (Variation ID: 1509986). This variant has not been reported in the literature in individuals affected with TRPS1-related conditions. This variant is present in population databases (no rsID available, gnomAD 0.0009%). This sequence change replaces glutamic acid, which is acidic and polar, with lysine, which is basic and polar, at codon 651 of the TRPS1 protein (p.Glu651Lys).

NM_014112.5(TRPS1):c.1951G>A (p.Glu651Lys)

Gene: TRPS1 (transcriptional repressor GATA binding 1; minus strand). Cytogenetic location: 8q23.3.
Variant type: single nucleotide variant.
Coding change: c.1951G>A on transcript NM_014112.5 (MANE Select); coding-DNA position 1951, G replaced by A.
Protein change: p.Glu651Lys; replaces glutamic acid 651 with lysine.
Molecular consequence: missense variant.
Genome position (GRCh38, 1-based): chr8:115,604,018, C>T on the plus strand (G>A on the coding strand, the complement: TRPS1 is on the minus strand). VCF-style: chr8-115604018-C-T. GRCh37 (hg19) VCF-style: chr8-116616245-C-T.
Other names: c.1924G>A, p.Glu642Lys (NM_001282902.3); c.1930G>A, p.Glu644Lys (NM_001282903.3); c.1912G>A, p.Glu638Lys (NM_001330599.2); short protein forms E651K, E638K, E642K, E644K.
Identifiers: ClinVar variation 1509986 (VCV001509986.8), dbSNP rs1174923595, ClinGen allele CA372066258.
Genomic context (GRCh38, chr8:115,604,018, plus strand): 5'-GCTGCCCATCCGATCCTTGCAGGTGATTTGCTTCTTGTTTGACATCCGATGCTTGGGACT[C>T]ATGCACACTTTCATAGTGAAAGAGGAGTACATCTACGTCAGGGGTGGTGAATGAACACTG-3'
Protein context (NP_054831.2, residues 641-661): VLLFHYESVH[Glu651Lys]SQASDVKQEA